The following is an entry in ClinVar:

NM_001369.3(DNAH5):c.1730+1G>A

Gene: DNAH5 (dynein axonemal heavy chain 5; minus strand). Cytogenetic location: 5p15.2.
Variant type: single nucleotide variant.
Coding change: c.1730+1G>A on transcript NM_001369.3 (MANE Select); the canonical splice donor site of the intron after coding-DNA position 1730, G replaced by A.
Molecular consequence: splice donor variant.
Genome position (GRCh38, 1-based): chr5:13,902,052, C>T on the plus strand (G>A on the coding strand, the complement: DNAH5 is on the minus strand). VCF-style: chr5-13902052-C-T. GRCh37 (hg19) VCF-style: chr5-13902161-C-T.
Identifiers: ClinVar variation 4814870 (VCV004814870.3).

ClinVar aggregate classification (germline): Likely pathogenic. Review status: criteria provided, multiple submitters, no conflicts (2 of 4 stars). 2 submissions from 2 submitters: Likely pathogenic (2). Last evaluated 2025-10-02.

Conditions:
Primary ciliary dyskinesia. Also called: Ciliary dyskinesia. Identifiers: Orphanet 244, MedGen C0008780, MONDO:0016575, HP:0012265.

gnomAD v4.1: 1 of 1,584,012 alleles (0.000063%); highest among the groups gnomAD compares: East Asian, 0.0022%; no homozygotes.

Submissions (2):

Dasa
Classification: Likely pathogenic. Last evaluated: 2025-10-02. Review status: criteria provided, single submitter. Criteria: DASA Assertion Criteria. Collection method: clinical testing. Allele origin: germline.
Comment: NM_001369.3(DNAH5):c.1730+1G>A affects a canonical splice site and is predicted to disrupt normal RNA splicing. Loss of function is an established disease mechanism for DNAH5-associated disorders. Also, this variant is rare in population databases. Based on the currently available evidence, this variant is classified as likely pathogenic.

Natera, Inc.
Classification: Likely pathogenic for Primary ciliary dyskinesia. Last evaluated: 2024-11-25. Review status: criteria provided, single submitter. Criteria: Natera Variant Classification Schema (03/2026). Collection method: clinical testing. Allele origin: germline.
Comment: The c.1730+1G>A variant in DNAH5 is a canonical splice donor site variant predicted to affect pre-mRNA splicing, which may result in an abnormal transcript and altered protein product. This variant is expected to result in nonsense mediated decay, truncation, or a dysfunctional protein product. This variant is rare in the general population with a frequency below the threshold expected for the associated phenotype(s). Given the available evidence, this variant is classified as Likely Pathogenic.